The following is an entry in ClinVar:

ClinVar aggregate classification (germline): Uncertain significance (1 of 4 stars; one submission).

Conditions:
Symmetrical dyschromatosis of extremities (DSH). Also called: DYSCHROMATOSIS SYMMETRICA HEREDITARIA 1; RETICULATE ACROPIGMENTATION OF DOHI; SYMMETRIC DYSCHROMATOSIS OF THE EXTREMITIES; Dyschromatosis symmetrica hereditaria. Identifiers: Orphanet 41, MedGen C0406775, MONDO:0007483, OMIM 127400.
Aicardi-Goutieres syndrome 6 (AGS6). Identifiers: Orphanet 51, MedGen C3539013, MONDO:0014007, OMIM 615010.

Submission:

Labcorp Genetics (formerly Invitae), Labcorp
Classification: Uncertain significance for Aicardi-Goutieres syndrome 6; Symmetrical dyschromatosis of extremities. Last evaluated: 2025-12-10. Review status: criteria provided, single submitter. Criteria: Invitae Variant Classification Sherloc (09022015). Collection method: clinical testing. Allele origin: germline.
Comment: This sequence change affects codon 1142 of the ADAR mRNA. It is a 'silent' change, meaning that it does not change the encoded amino acid sequence of the ADAR protein. This variant is not present in population databases (gnomAD no frequency). This variant has not been reported in the literature in individuals affected with ADAR-related conditions. Algorithms developed to predict the effect of sequence changes on RNA splicing suggest that this variant may create or strengthen a splice site. In summary, the available evidence is currently insufficient to determine the role of this variant in disease. Therefore, it has been classified as a Variant of Uncertain Significance.

NM_001111.5(ADAR):c.3426C>G (p.Thr1142=)

Gene: ADAR (adenosine deaminase RNA specific; minus strand). Cytogenetic location: 1q21.3.
Variant type: single nucleotide variant.
Coding change: c.3426C>G on transcript NM_001111.5 (MANE Select); coding-DNA position 3426, C replaced by G.
Protein change: p.Thr1142=; no amino-acid change (threonine 1142 retained).
Molecular consequence: synonymous variant.
Genome position (GRCh38, 1-based): chr1:154,585,234, G>C on the plus strand (C>G on the coding strand, the complement: ADAR is on the minus strand). VCF-style: chr1-154585234-G-C. GRCh37 (hg19) VCF-style: chr1-154557710-G-C.
Other names: c.2541C>G, p.Thr847= (NM_001025107.3, NM_001193495.2, NM_001365046.1 and 2 more transcripts); c.3453C>G, p.Thr1151= (NM_001365045.1); c.2463C>G, p.Thr821= (NM_001365049.1); c.3348C>G, p.Thr1116= (NM_015840.4); c.3291C>G, p.Thr1097= (NM_015841.4).
Identifiers: ClinVar variation 4786969 (VCV004786969.1).